The following is an entry in ClinVar:

NM_015046.7(SETX):c.7708CCT[1] (p.Pro2571del)

Gene: SETX (senataxin; minus strand). Cytogenetic location: 9q34.13.
Variant type: Microsatellite.
Coding change: c.7708CCT[1] on transcript NM_015046.7 (MANE Select); one copy of the 3-base unit CCT starting at c.7708; the reference has two copies in a row; one copy, 3 bases deleted.
Protein change: p.Pro2571del; deletes proline 2571.
Molecular consequence: inframe deletion.
Genome position (GRCh38, 1-based): chr9:132,264,560-132,264,562, AGG deleted on the plus strand (CCT on the coding strand, the reverse complement: SETX is on the minus strand); deleting any 3 consecutive bases within chr9:132,264,560-132,264,565 gives the same sequence; the position shown is the placement nearest the transcript's 3' end. VCF-style (leftmost placement, unchanged base first): chr9-132264559-TAGG-T. GRCh37 (hg19) VCF-style: chr9-135139946-TAGG-T.
Other names: c.7708CCT[1], p.Pro2571del (NM_001351527.2); c.7795CCT[1], p.Pro2600del (NM_001351528.2); c.7711_7713delCCT (NM_015046.7); short protein forms P2571del, P2600del.
Identifiers: ClinVar variation 448348 (VCV000448348.12), dbSNP rs770590408, ClinGen allele CA5296353.

ClinVar aggregate classification (germline): Uncertain significance. Review status: criteria provided, multiple submitters, no conflicts (2 of 4 stars). 5 submissions from 4 submitters: Uncertain significance (5). Last evaluated 2025-10-01.

Conditions:
Amyotrophic lateral sclerosis type 4 (ALS4). Also called: NEURONOPATHY, DISTAL HEREDITARY MOTOR, WITH PYRAMIDAL FEATURES; AMYOTROPHIC LATERAL SCLEROSIS 4, JUVENILE. Identifiers: Orphanet 357043, MedGen C1865409, MONDO:0011223, OMIM 602433.
Spinocerebellar ataxia, autosomal recessive, with axonal neuropathy 2 (SCAN2). Also called: ATAXIA-OCULOMOTOR APRAXIA 2; Ataxia with Oculomotor Apraxia Type 2; Ataxia with Oculomotor Apraxia; Ataxia-ocular apraxia-2. Identifiers: Orphanet 64753, MedGen C1853761, MONDO:0018996, OMIM 606002.

Submissions (5):

Labcorp Genetics (formerly Invitae), Labcorp
Classification: Uncertain significance for Amyotrophic lateral sclerosis type 4; Spinocerebellar ataxia, autosomal recessive, with axonal neuropathy 2. Last evaluated: 2025-10-01. Review status: criteria provided, single submitter. Criteria: Invitae Variant Classification Sherloc (09022015). Collection method: clinical testing. Allele origin: germline.
Comment: This variant, c.7711_7713del, results in the deletion of 1 amino acid(s) of the SETX protein (p.Pro2571del), but otherwise preserves the integrity of the reading frame. This variant is present in population databases (rs770590408, gnomAD 0.04%). This variant has not been reported in the literature in individuals affected with SETX-related conditions. Experimental studies and prediction algorithms are not available or were not evaluated, and the functional significance of this variant is currently unknown. In summary, the available evidence is currently insufficient to determine the role of this variant in disease. Therefore, it has been classified as a Variant of Uncertain Significance.

Athena Diagnostics
Classification: Uncertain significance. Last evaluated: 2024-06-27. Review status: criteria provided, single submitter. Criteria: Athena Diagnostics Criteria. Collection method: clinical testing. Allele origin: unknown.

Women's Health and Genetics/Laboratory Corporation of America, LabCorp
Classification: Uncertain significance. Last evaluated: 2023-12-15. Review status: criteria provided, single submitter. Criteria: LabCorp Variant Classification Summary - May 2015. Collection method: clinical testing. Allele origin: germline.
Comment: Variant summary: SETX c.7711_7713delCCT (p.Pro2571del) results in an in-frame deletion that is predicted to remove one amino acid from the encoded protein. The variant allele was found at a frequency of 6.4e-05 in 251408 control chromosomes (gnomAD). To our knowledge, no occurrence of c.7711_7713delCCT in individuals affected with Amyotrophic Lateral Sclerosis Type 4 and no experimental evidence demonstrating its impact on protein function have been reported. Three submitters have cited clinical-significance assessments for this variant to ClinVar after 2014. All submitters classified the variant as uncertain significance. Based on the evidence outlined above, the variant was classified as uncertain significance.

Genome-Nilou Lab
Classification: Uncertain significance for Spinocerebellar ataxia, autosomal recessive, with axonal neuropathy 2. Last evaluated: 2023-02-08. Review status: criteria provided, single submitter. Criteria: ACMG Guidelines, 2015. Collection method: clinical testing. Allele origin: germline.

Genome-Nilou Lab
Classification: Uncertain significance for Amyotrophic lateral sclerosis type 4. Last evaluated: 2023-02-08. Review status: criteria provided, single submitter. Criteria: ACMG Guidelines, 2015. Collection method: clinical testing. Allele origin: germline.